The following is an entry in ClinVar:

ClinVar aggregate classification (germline): Uncertain significance (1 of 4 stars; one submission).

gnomAD v4.1: 8 of 1,614,092 alleles (0.0005%); highest among the groups gnomAD compares: Non-Finnish European, 0.00068%; no homozygotes.

Submission:

Labcorp Genetics (formerly Invitae), Labcorp
Classification: Uncertain significance. Last evaluated: 2025-09-28. Review status: criteria provided, single submitter. Criteria: Invitae Variant Classification Sherloc (09022015). Collection method: clinical testing. Allele origin: germline.
Comment: This sequence change replaces threonine, which is neutral and polar, with isoleucine, which is neutral and non-polar, at codon 259 of the KMT2A protein (p.Thr259Ile). This variant is not present in population databases (gnomAD no frequency). This variant has not been reported in the literature in individuals affected with KMT2A-related conditions. Invitae Evidence Modeling of protein sequence and biophysical properties (such as structural, functional, and spatial information, amino acid conservation, physicochemical variation, residue mobility, and thermodynamic stability) indicates that this missense variant is not expected to disrupt KMT2A protein function with a negative predictive value of 95%. In summary, the available evidence is currently insufficient to determine the role of this variant in disease. Therefore, it has been classified as a Variant of Uncertain Significance.

NM_001197104.2(KMT2A):c.776C>T (p.Thr259Ile)

Gene: KMT2A (lysine methyltransferase 2A; plus strand). Cytogenetic location: 11q23.3.
Variant type: single nucleotide variant.
Coding change: c.776C>T on transcript NM_001197104.2 (MANE Select); coding-DNA position 776, C replaced by T.
Protein change: p.Thr259Ile; replaces threonine 259 with isoleucine.
Molecular consequence: missense variant.
Genome position (GRCh38, 1-based): chr11:118,471,935, C>T. VCF-style: chr11-118471935-C-T. GRCh37 (hg19) VCF-style: chr11-118342650-C-T.
Other names: c.875C>T, p.Thr292Ile (NM_001412597.1); c.776C>T, p.Thr259Ile (NM_005933.4); short protein forms T259I, T292I.
Identifiers: ClinVar variation 4800516 (VCV004800516.1).